The following is an entry in ClinVar:

ClinVar aggregate classification (germline): Uncertain significance. Review status: criteria provided, multiple submitters, no conflicts (2 of 4 stars). 2 submissions from 2 submitters: Uncertain significance (2). Last evaluated 2025-01-09.

Conditions:
TCF12-related craniosynostosis. Also called: Craniosynostosis 3. Identifiers: Orphanet 35098, Orphanet 35099, Orphanet 672979, MedGen C3715051, MONDO:0014128, OMIM 615314.
Hypogonadotropic hypogonadism 26 with or without anosmia (HH26). Identifiers: MedGen C5676903, MONDO:0030534, OMIM 619718.

Submissions (2):

GeneDx
Classification: Uncertain significance. Last evaluated: 2025-01-09. Review status: criteria provided, single submitter. Criteria: GeneDx Variant Classification Process June 2021. Collection method: clinical testing. Allele origin: germline. Affected: yes.
Comment: Not observed at significant frequency in large population cohorts (gnomAD); Frameshift variant predicted to result in abnormal protein length as the last 29 amino acid(s) are replaced with 40 different amino acid(s); Has not been previously published as pathogenic or benign to our knowledge

Juno Genomics, Hangzhou Juno Genomics, Inc
Classification: Uncertain significance for TCF12-related craniosynostosis; Hypogonadotropic hypogonadism 26 with or without anosmia. Review status: criteria provided, single submitter. Criteria: ACMG Guidelines, 2015. Collection method: clinical testing. Allele origin: germline.
Comment: Null variant in a gene where loss of function (LOF) is a known mechanism of disease.;Absent from controls (or at extremely low frequency if recessive) in Genome Aggregation Database.

NM_207037.2(TCF12):c.2032del (p.Val678fs)

Gene: TCF12 (transcription factor 12; plus strand). Cytogenetic location: 15q21.3.
Variant type: Deletion.
Coding change: c.2032del on transcript NM_207037.2 (MANE Select); coding-DNA position 2032, one base deleted (G; older notation c.2032delG).
Protein change: p.Val678fs; shifts the reading frame from valine 678.
Molecular consequence: frameshift variant.
Genome position (GRCh38, 1-based): chr15:57,282,498, G deleted. VCF-style (leftmost placement, unchanged base first): chr15-57282497-AG-A. GRCh37 (hg19) VCF-style: chr15-57574695-AG-A.
Other names: c.1522del, p.Val508fs (NM_001306219.3); c.1252del, p.Val418fs (NM_001306220.3); c.2032del, p.Val678fs (NM_001322151.2, NM_001322159.3, NM_001322162.2 and 1 more transcripts); c.2029del, p.Val677fs (NM_001322152.2, NM_001322161.2); c.1375del, p.Val459fs (NM_001322154.2); c.1858del, p.Val620fs (NM_001322156.2); c.1960del, p.Val654fs (NM_001322157.3, NM_001322165.2, NM_003205.4 and 1 more transcripts); c.1786del, p.Val596fs (NM_001322158.2); and 2 more; short protein forms V418fs, V459fs, V484fs, V508fs, V596fs, V620fs, V654fs, V666fs.
Identifiers: ClinVar variation 1712141 (VCV001712141.5), dbSNP rs2551510580, ClinGen allele CA2580089811.